The following is an entry in ClinVar:

ClinVar aggregate classification (germline): Uncertain significance (1 of 4 stars; one submission).

Conditions:
Hereditary cancer-predisposing syndrome. Also called: Hereditary Cancer Syndrome; Tumor predisposition; Hereditary neoplastic syndrome; Neoplastic Syndromes, Hereditary. Identifiers: Orphanet 140162, MedGen C0027672, MeSH D009386, MONDO:0015356.

Submission:

Ambry Genetics
Classification: Uncertain significance for Hereditary cancer-predisposing syndrome. Last evaluated: 2024-06-29. Review status: criteria provided, single submitter. Criteria: Ambry Variant Classification Scheme 2023. Collection method: clinical testing. Allele origin: germline.
Comment: The p.V99I variant (also known as c.295G>A), located in coding exon 3 of the MRE11A gene, results from a G to A substitution at nucleotide position 295. The valine at codon 99 is replaced by isoleucine, an amino acid with highly similar properties. This amino acid position is conserved. In addition, this alteration is predicted to be tolerated by in silico analysis. Based on the available evidence, the clinical significance of this variant remains unclear.

NM_005591.4(MRE11):c.295G>A (p.Val99Ile)

Gene: MRE11 (MRE11 double strand break repair nuclease; minus strand). Cytogenetic location: 11q21.
Variant type: single nucleotide variant.
Coding change: c.295G>A on transcript NM_005591.4 (MANE Select); coding-DNA position 295, G replaced by A.
Protein change: p.Val99Ile; replaces valine 99 with isoleucine.
Molecular consequence: missense variant.
Genome position (GRCh38, 1-based): chr11:94,485,943, C>T on the plus strand (G>A on the coding strand, the complement: MRE11 is on the minus strand). VCF-style: chr11-94485943-C-T. GRCh37 (hg19) VCF-style: chr11-94219109-C-T.
Other names: c.295G>A, p.Val99Ile (NM_001330347.2, NM_005590.4); short protein forms V99I.
Identifiers: ClinVar variation 3397835 (VCV003397835.1).